The following continues an entry in ClinVar:

NM_007294.4(BRCA1):c.1427A>G (p.His476Arg)

Gene: BRCA1. ClinVar aggregate classification (germline): Benign/Likely benign. Benign (5); Likely benign (9).

Submission 18 of 18:

Department of Pathology and Laboratory Medicine, Sinai Health System
Classification: Likely benign. Review status: no assertion criteria provided. Collection method: clinical testing. Allele origin: unknown. Affected: yes. Study: The Canadian Open Genetics Repository (COGR). Not counted in ClinVar's aggregate classification.
Comment: The BRCA1 p.His476Arg variant was identified in 3 of 862 proband chromosomes (frequency: 0.003) from individuals or families with breast and or ovarian cancer and triple negative breast cancer cases; variant was not identified in 1362 control chromosomes from healthy individuals (McKean_Cowdin_2005_15726418, Rummel_2013_23192404). The variant was also identified in the following databases: dbSNP (ID: rs55720177) as â€šÃ„ÃºWith other alleleâ€šÃ„Ã¹, ClinVar (1x, as benign by Invitae, 4x as likely benign by Ambry Genetics, GeneDx, Counsyl, Quest Diagnostics, 1x as uncertain significance by BIC 1x ITMI), Clinvitae (4x, as benign and likely benign by ClinVar and Invitae), LOVD 3.0 (7x), UMD-LSDB (6 records, as neutral), BIC (9x). The variant was not identified in Cosmic, MutDB, ARUP Laboratories, and Zhejiang Colon Cancer database. The variant was identified in control databases in 79 of 277056 chromosomes at a frequency of 0.0003 increasing the likelihood this could be a low frequency variant (Genome Aggregation Database Feb 27, 2017). Breakdown of the observations by population include African in 70 of 24036 chromosomes (freq: 0.003), Latino in 9 of 34418 chromosomes (freq: 0.0003), while the variant was not observed in the Other, European Non-Finnish, Ashkenazi Jewish, East Asian, European Finnish, and South Asian populations. The variant p.His476Arg has been reported to reside with a known deleterious mutation (BRCA1, 943ins10) (Judkins_2005_16267036). The p.His476Arg residue is not conserved in mammals and four out of five computational analyses (PolyPhen-2, SIFT, AlignGVGD, BLOSUM, MutationTaster) do not suggest a high likelihood of impact to the protein; however, this information is not predictive enough to rule out pathogenicity. The variant occurs outside of the splicing consensus sequence and 1 of 5 in silico or computational prediction software programs (SpliceSiteFinder, MaxEntScan, NNSPLICE, GeneSplicer, HumanSpliceFinder) predict a greater than 10% difference in splicing; this is not very predictive of pathogenicity. In summary, based on the above information the clinical significance of this variant cannot be determined with certainty at this time although we would lean towards a more benign role for this variant. This variant is classified as likely benign.

Literature cited by the submitters: PubMed 15235020 (cited by 3 submitters); PubMed 24728327 (cited by 4 submitters); PubMed 12531920 (cited by 3 submitters); PubMed 15726418 (cited by 3 submitters); PubMed 15829246 (cited by 3 submitters); PubMed 16267036 (cited by 3 submitters); PubMed 22811390 (cited by Quest Diagnostics Nichols Institute San Juan Capistrano and Women's Health and Genetics/Laboratory Corporation of America, LabCorp); PubMed 22516946 (cited by Quest Diagnostics Nichols Institute San Juan Capistrano and Women's Health and Genetics/Laboratory Corporation of America, LabCorp); PubMed 15385441 (cited by Quest Diagnostics Nichols Institute San Juan Capistrano); PubMed 23192404 (cited by Quest Diagnostics Nichols Institute San Juan Capistrano and Women's Health and Genetics/Laboratory Corporation of America, LabCorp); DOI 10.3389/fgene.2022.834265 (cited by National Health Laboratory Service, Universitas Academic Hospital and University of the Free State); PubMed 18273839 (cited by Women's Health and Genetics/Laboratory Corporation of America, LabCorp); PubMed 25348012 (cited by Women's Health and Genetics/Laboratory Corporation of America, LabCorp).